The following is an entry in ClinVar:

NM_001204.7(BMPR2):c.610A>C (p.Lys204Gln)

Gene: BMPR2 (bone morphogenetic protein receptor type 2; plus strand). Cytogenetic location: 2q33.2.
Variant type: single nucleotide variant.
Coding change: c.610A>C on transcript NM_001204.7 (MANE Select); coding-DNA position 610, A replaced by C.
Protein change: p.Lys204Gln; replaces lysine 204 with glutamine.
Molecular consequence: missense variant.
Genome position (GRCh38, 1-based): chr2:202,514,968, A>C. VCF-style: chr2-202514968-A-C. GRCh37 (hg19) VCF-style: chr2-203379691-A-C.
Other names: short protein forms K204Q.
Identifiers: ClinVar variation 5033071 (VCV005033071.1).

ClinVar aggregate classification (germline): Uncertain significance (1 of 4 stars; one submission).

Conditions:
Inborn genetic diseases. Identifiers: MedGen C0950123, MeSH D030342.

gnomAD v4.1: 2 of 1,614,158 alleles (0.00012%); highest among the groups gnomAD compares: Non-Finnish European, 0.00017%; no homozygotes.

Submission:

Ambry Genetics
Classification: Uncertain significance for Inborn genetic diseases. Last evaluated: 2026-06-29. Review status: criteria provided, single submitter. Criteria: Ambry Variant Classification Scheme 2023. Collection method: clinical testing. Allele origin: germline.
Comment: The p.K204Q variant (also known as c.610A>C), located in coding exon 5 of the BMPR2 gene, results from an A to C substitution at nucleotide position 610. The lysine at codon 204 is replaced by glutamine, an amino acid with similar properties. This amino acid position is conserved. In addition, the in silico prediction for this alteration is inconclusive. Based on the available evidence, the clinical significance of this variant remains unclear.